The following is an entry in ClinVar:

NM_199242.3(UNC13D):c.2267del (p.Ile756fs)

Gene: UNC13D (unc-13 homolog D; minus strand). Cytogenetic location: 17q25.1.
Variant type: Deletion.
Coding change: c.2267del on transcript NM_199242.3 (MANE Select); coding-DNA position 2267, one base deleted (T; older notation c.2267delT).
Protein change: p.Ile756fs; shifts the reading frame from isoleucine 756.
Molecular consequence: frameshift variant.
Genome position (GRCh38, 1-based): chr17:75,834,356, A deleted on the plus strand (T on the coding strand, the reverse complement: UNC13D is on the minus strand). VCF-style (leftmost placement, unchanged base first): chr17-75834355-GA-G. GRCh37 (hg19) VCF-style: chr17-73830436-GA-G.
Other names: short protein forms I756fs.
Identifiers: ClinVar variation 2167989 (VCV002167989.1), dbSNP rs1234036848, ClinGen allele CA502049710.
Genomic context (GRCh38, chr17:75,834,355, plus strand): 5'-ATGGGGTGACTGTGCGGTCGGACAAGGTACCTGCTCGGCCAGGGTGCGGACGCCAGTGCG[GA>G]TCTCATGGCCCAGCCCGGCCAGCGCGCTCTGCAGCTGGGCATGCAGCGTGTTCTGCAGCT-3'

ClinVar aggregate classification (germline): Pathogenic (1 of 4 stars; one submission).

Conditions:
Familial hemophagocytic lymphohistiocytosis 3 (FHL3). Also called: UNC13D-Related Familial Hemophagocytic Lymphohistiocytosis (UNC13D-fHLH). Identifiers: Orphanet 540, MedGen C1837174, MONDO:0012146, OMIM 608898.

Allele frequency attached by ClinVar (database versions not stated): gnomAD 0.00003; gnomAD exomes 0.00003.

Submission:

Labcorp Genetics (formerly Invitae), Labcorp
Classification: Pathogenic for Familial hemophagocytic lymphohistiocytosis 3. Last evaluated: 2022-08-16. Review status: criteria provided, single submitter. Criteria: Invitae Variant Classification Sherloc (09022015). Collection method: clinical testing. Allele origin: germline.
Comment: This sequence change creates a premature translational stop signal (p.Ile756Thrfs*39) in the UNC13D gene. It is expected to result in an absent or disrupted protein product. Loss-of-function variants in UNC13D are known to be pathogenic (PMID: 14622600). This variant is present in population databases (no rsID available, gnomAD 0.003%). This variant has not been reported in the literature in individuals affected with UNC13D-related conditions. For these reasons, this variant has been classified as Pathogenic.

Literature cited by the submitters: PubMed 14622600.